The following is an entry in ClinVar:

ClinVar aggregate classification (germline): Uncertain significance. Review status: criteria provided, multiple submitters, no conflicts (2 of 4 stars). 3 submissions from 3 submitters: Uncertain significance (3). Last evaluated 2023-11-13.

Conditions:
Familial hemophagocytic lymphohistiocytosis 5. Also called: STXBP2-Related Familial Hemophagocytic Lymphohistiocytosis (STXBP2-fHLH). Identifiers: Orphanet 540, MedGen C2751293, MONDO:0013135, OMIM 613101.

Allele frequency attached by ClinVar (database versions not stated): 1000 Genomes Project 0.00020; gnomAD 0.00001; gnomAD exomes 0.00001; TOPMed 0.00001; ExAC 0.00004; 1000 Genomes Project 30x 0.00016.
gnomAD v4.1: 14 of 1,610,362 alleles (0.00087%); highest among the groups gnomAD compares: East Asian, 0.018%; no homozygotes.

Submissions (3):

GeneDx
Classification: Uncertain significance. Last evaluated: 2023-11-13. Review status: criteria provided, single submitter. Criteria: GeneDx Variant Classification Process June 2021. Collection method: clinical testing. Allele origin: germline. Affected: yes.
Comment: In silico analysis supports that this missense variant does not alter protein structure/function; Has not been previously published as pathogenic or benign to our knowledge

Labcorp Genetics (formerly Invitae), Labcorp
Classification: Uncertain significance for Familial hemophagocytic lymphohistiocytosis 5. Last evaluated: 2021-09-01. Review status: criteria provided, single submitter. Criteria: Invitae Variant Classification Sherloc (09022015). Collection method: clinical testing. Allele origin: germline.
Comment: This sequence change replaces proline with leucine at codon 462 of the STXBP2 protein (p.Pro462Leu). The proline residue is weakly conserved and there is a moderate physicochemical difference between proline and leucine. This variant is present in population databases (rs573587268, ExAC 0.04%). This variant has not been reported in the literature in individuals affected with STXBP2-related conditions. Algorithms developed to predict the effect of missense changes on protein structure and function (SIFT, PolyPhen-2, Align-GVGD) all suggest that this variant is likely to be tolerated. In summary, the available evidence is currently insufficient to determine the role of this variant in disease. Therefore, it has been classified as a Variant of Uncertain Significance.

Genetic Services Laboratory, University of Chicago
Classification: Uncertain significance. Last evaluated: 2020-07-24. Review status: criteria provided, single submitter. Criteria: ACMG Guidelines, 2015. Collection method: clinical testing. Allele origin: germline. Affected: no.
Comment: DNA sequence analysis of the STXBP2 gene demonstrated a sequence change, c.1385C>T, in exon 16 that results in an amino acid change, p.Pro462Leu. This sequence change does not appear to have been previously described in patients with STXBP2-related disorders and has been described in the gnomAD database in 3 individuals, with a low overall population frequency of 0.001% (dbSNP rs573587268). The p.Pro462Leu change affects a poorly conserved amino acid residue located in a domain of the STXBP2 protein that is known to be functional. The p.Pro462Leu substitution appears to be benign using several in-silico pathogenicity prediction tools (SIFT, PolyPhen2, Align GVGD, REVEL). Due to these contrasting evidences and the lack of functional studies, the clinical significance of the p.Pro462Leu change remains unknown at this time.

NM_006949.4(STXBP2):c.1385C>T (p.Pro462Leu)

Gene: STXBP2 (syntaxin binding protein 2; plus strand). Cytogenetic location: 19p13.2.
Variant type: single nucleotide variant.
Coding change: c.1385C>T on transcript NM_006949.4 (MANE Select); coding-DNA position 1385, C replaced by T.
Protein change: p.Pro462Leu; replaces proline 462 with leucine.
Molecular consequence: missense variant. On other transcripts: non-coding transcript variant (1).
Genome position (GRCh38, 1-based): chr19:7,646,277, C>T. VCF-style: chr19-7646277-C-T. GRCh37 (hg19) VCF-style: chr19-7711163-C-T.
Other names: c.1376C>T, p.Pro459Leu (NM_001127396.3); c.1418C>T, p.Pro473Leu (NM_001272034.2); short protein forms P459L, P462L, P473L.
Identifiers: ClinVar variation 1337688 (VCV001337688.10), dbSNP rs573587268, ClinGen allele CA9144136.